The following is an entry in ClinVar:

ClinVar aggregate classification (germline): Pathogenic. Review status: reviewed by expert panel (3 of 4 stars). 4 submissions from 4 submitters: Pathogenic (1). 3 of the submissions do not count toward it. Last evaluated 2020-06-25.

Conditions:
Cardio-facio-cutaneous syndrome. Also called: Cardiofaciocutaneous syndrome; CFC syndrome. Identifiers: Orphanet 1340, MedGen C1275081, MONDO:0015280. Disease mechanism: gain of function.
RASopathy. Also called: rasopathies; Noonan spectrum disorder. Identifiers: Orphanet 536391, MedGen C5555857, MONDO:0021060.

Submissions (6):

ClinGen RASopathy Variant Curation Expert Panel
Classification: Pathogenic for RASopathy. Last evaluated: 2020-06-25. Review status: reviewed by expert panel. Criteria: ClinGen RASopathy ACMG Specifications v1. Collection method: curation. Allele origin: germline. Inheritance: Autosomal dominant inheritance.
Comment: The c.1799T>G (p.Val600Gly) variant in BRAF is absent from gnomAD (PM2). It has been identified in one individual with Cardiofaciocutaneous syndrome (PS4_Supporting; PMID: 20735442). It has also been reported in the literature as an unconfirmed de novo occurrence (PM6; GeneDx internal communication). In vitro functional studies provide some evidence that the p.Val600Gly variant may impact protein function (PS3; PMID: 20735442). Furthermore, the variant is in a location that has been defined by the ClinGen RASopathy Expert Panel to be a mutational hotspot or domain of BRAF (PM1; PMID 29493581). Computational prediction tools and conservation analysis suggest that the p.Val600Gly variant may impact the protein (PP3). Finally, the variant is located in BRAF, which has been defined by the ClinGen RASopathy Expert Panel as a gene with a low rate of benign missense variants and pathogenic missense variants are common (PP2; PMID: 29493581). In summary, this variant meets criteria to be classified as pathogenic for RASopathies in an autosomal dominant manner. Rasopathy-specific ACMG/AMP criteria applied (PMID:29493581): PS3, PM1, PM2, PM6, PS4_Supporting, PP3, PP2.

Labcorp Genetics (formerly Invitae), Labcorp
Classification: Pathogenic for RASopathy. Last evaluated: 2025-12-23. Review status: criteria provided, single submitter. Criteria: Invitae Variant Classification Sherloc (09022015). Collection method: clinical testing. Allele origin: germline. Not counted in ClinVar's aggregate classification.
Comment: This sequence change replaces valine, which is neutral and non-polar, with glycine, which is neutral and non-polar, at codon 600 of the BRAF protein (p.Val600Gly). This variant is not present in population databases (gnomAD no frequency). This missense change has been observed in individual(s) with cardio-facio-cutaneous syndrome (PMID: 20735442). In at least one individual the variant was observed to be de novo. ClinVar contains an entry for this variant (Variation ID: 40389). Invitae Evidence Modeling incorporating data from in vitro experimental studies (internal data) indicates that this missense variant is expected to disrupt BRAF function with a positive predictive value of 95%. Algorithms developed to predict the effect of sequence changes on RNA splicing suggest that this variant may disrupt the consensus splice site. For these reasons, this variant has been classified as Pathogenic.

Dr. Peter K. Rogan Lab, Western University
No classification provided (evidence only). Condition: Melanoma. Review status: no classification provided. Collection method: in vitro. Allele origin: not applicable. Functional consequence: retained intron. Not counted in ClinVar's aggregate classification.

Dr. Peter K. Rogan Lab, Western University
No classification provided (evidence only). Condition: Thyroid cancer, nonmedullary, 1. Review status: no classification provided. Collection method: in vitro. Allele origin: not applicable. Functional consequence: retained intron. Not counted in ClinVar's aggregate classification.

GeneReviews
No classification provided. Condition: Cardio-facio-cutaneous syndrome. Review status: no classification provided. Collection method: literature only. Allele origin: germline. Affected: yes. Not counted in ClinVar's aggregate classification.

Department of Pathology and Laboratory Medicine, Sinai Health System
Classification: Uncertain significance. Review status: flagged submission. Collection method: clinical testing. Allele origin: unknown. Affected: yes. Observed: 1 variant allele. Study: The Canadian Open Genetics Repository (COGR). Not counted in ClinVar's aggregate classification.
ClinVar note: Reason: Conflicts with expert reviewed submission without evidence to support different classification

Literature cited by the submitters: PubMed 20735442 (cited by 3 submitters); NCBI Bookshelf NBK1186 (cited by GeneReviews).

NM_004333.6(BRAF):c.1799T>G (p.Val600Gly)

Gene: BRAF (B-Raf proto-oncogene, serine/threonine kinase; minus strand). Cytogenetic location: 7q34.
Variant type: single nucleotide variant.
Coding change: c.1799T>G on transcript NM_004333.6 (MANE Select); coding-DNA position 1799, T replaced by G.
Protein change: p.Val600Gly; replaces valine 600 with glycine.
Molecular consequence: missense variant.
Genome position (GRCh38, 1-based): chr7:140,753,336, A>C on the plus strand (T>G on the coding strand, the complement: BRAF is on the minus strand). VCF-style: chr7-140753336-A-C. GRCh37 (hg19) VCF-style: chr7-140453136-A-C.
Other names: c.1799T>G, p.Val600Gly (NM_001354609.2, NM_001378468.1, NM_001378474.1); c.1919T>G, p.Val640Gly (NM_001374244.1, NM_001374258.1); c.1808T>G, p.Val603Gly (NM_001378467.1); c.1733T>G, p.Val578Gly (NM_001378469.1); c.1697T>G, p.Val566Gly (NM_001378470.1); c.1688T>G, p.Val563Gly (NM_001378471.1); c.1643T>G, p.Val548Gly (NM_001378472.1, NM_001378473.1); c.1535T>G, p.Val512Gly (NM_001378475.1); short protein forms V600G, V512G, V548G, V563G, V566G, V578G, V603G, V640G.
Identifiers: ClinVar variation 40389 (VCV000040389.42), dbSNP rs113488022, ClinGen allele CA281998.
Genomic context (GRCh38, chr7:140,753,336, plus strand): 5'-ATCCACAAAATGGATCCAGACAACTGTTCAAACTGATGGGACCCACTCCATCGAGATTTC[A>C]CTGTAGCTAGACCAAAATCACCTATTTTTACTGTGAGGTCTTCATGAAGAAATATATCTG-3'
Protein context (NP_004324.2, residues 590-610): VKIGDFGLAT[Val600Gly]KSRWSGSHQF